The following is an entry in ClinVar:

NM_020376.4(PNPLA2):c.1226C>G (p.Pro409Arg)

Gene: PNPLA2 (patatin like domain 2, triacylglycerol lipase; plus strand). Cytogenetic location: 11p15.5.
Variant type: single nucleotide variant.
Coding change: c.1226C>G on transcript NM_020376.4 (MANE Select); coding-DNA position 1226, C replaced by G.
Protein change: p.Pro409Arg; replaces proline 409 with arginine.
Molecular consequence: missense variant.
Genome position (GRCh38, 1-based): chr11:824,573, C>G. VCF-style: chr11-824573-C-G. GRCh37 (hg19) VCF-style: chr11-824573-C-G.
Other names: short protein forms P409R.
Identifiers: ClinVar variation 936739 (VCV000936739.13), dbSNP rs549863849, ClinGen allele CA378984460.

ClinVar aggregate classification (germline): Uncertain significance. Review status: criteria provided, multiple submitters, no conflicts (2 of 4 stars). 3 submissions from 3 submitters: Uncertain significance (3). Last evaluated 2024-09-03.

Conditions:
Inborn genetic diseases. Identifiers: MedGen C0950123, MeSH D030342.
Neutral lipid storage myopathy (NLSDM). Also called: NEUTRAL LIPID STORAGE DISEASE WITHOUT ICHTHYOSIS. Identifiers: Orphanet 98908, MedGen C1853136, MONDO:0012545, OMIM 610717.

Allele frequency attached by ClinVar (database versions not stated): TOPMed 0.00002.
gnomAD v4.1: 5 of 1,575,060 alleles (0.00032%); highest among the groups gnomAD compares: Non-Finnish European, 0.00043%; no homozygotes.

Submissions (3):

Ambry Genetics
Classification: Uncertain significance for Inborn genetic diseases. Last evaluated: 2024-09-03. Review status: criteria provided, single submitter. Criteria: Ambry Variant Classification Scheme 2023. Collection method: clinical testing. Allele origin: germline.

Labcorp Genetics (formerly Invitae), Labcorp
Classification: Uncertain significance for Neutral lipid storage myopathy. Last evaluated: 2019-09-19. Review status: criteria provided, single submitter. Criteria: Invitae Variant Classification Sherloc (09022015). Collection method: clinical testing. Allele origin: germline.
Comment: In summary, the available evidence is currently insufficient to determine the role of this variant in disease. Therefore, it has been classified as a Variant of Uncertain Significance. Algorithms developed to predict the effect of missense changes on protein structure and function are either unavailable or do not agree on the potential impact of this missense change (SIFT: "Deleterious"; PolyPhen-2: "Benign"; Align-GVGD: "Class C0"). This variant has not been reported in the literature in individuals with PNPLA2-related conditions. This variant is not present in population databases (ExAC no frequency). This sequence change replaces proline with arginine at codon 409 of the PNPLA2 protein (p.Pro409Arg). The proline residue is moderately conserved and there is a moderate physicochemical difference between proline and arginine.

Revvity Omics, Revvity
Classification: Uncertain significance for Neutral lipid storage myopathy. Last evaluated: 2019-03-01. Review status: criteria provided, single submitter. Criteria: ACMG Guidelines, 2015. Collection method: clinical testing. Allele origin: germline.